The following is an entry in ClinVar:

NM_018429.3(BDP1):c.5743del (p.Ser1915fs)

Gene: BDP1 (BDP1 general transcription factor IIIB subunit; plus strand). Cytogenetic location: 5q13.2.
Variant type: Deletion.
Coding change: c.5743del on transcript NM_018429.3 (MANE Select); coding-DNA position 5743, one base deleted (T; older notation c.5743delT).
Protein change: p.Ser1915fs; shifts the reading frame from serine 1915.
Molecular consequence: frameshift variant.
Genome position (GRCh38, 1-based): chr5:71,524,294, T deleted; the last of 3 consecutive T bases (chr5:71,524,292-71,524,294); deleting any one gives the same sequence. VCF-style (leftmost placement, unchanged base first): chr5-71524291-GT-G. GRCh37 (hg19) VCF-style: chr5-70820118-GT-G.
Other names: short protein forms S1915fs.
Identifiers: ClinVar variation 4687865 (VCV004687865.1).
Genomic context (GRCh38, chr5:71,524,291, plus strand): 5'-CCCGAAGAAGTAAACAAAGCTCCAGTATTTGTACCTGTTGGTCTCAGATCTCCTGAACCT[GT>G]TTCTGCTCAGATTGAGGAAACAATGGAAGAGGTTCGGTTTTTTTTTAAAACCTTGGTACT-3'

ClinVar aggregate classification (germline): Likely pathogenic (1 of 4 stars; one submission).

Conditions:
Hearing loss, autosomal recessive 112. Also called: DEAFNESS, AUTOSOMAL RECESSIVE 112. Identifiers: MedGen C4748855, MONDO:0032639, OMIM 618257.

Submission:

Department of Otolaryngology-Head and Neck Surgery, Shanghai Jiao Tong University Affiliated Sixth People’s Hospital
Classification: Likely pathogenic for Hearing loss, autosomal recessive 112. Last evaluated: 2026-01-10. Review status: criteria provided, single submitter. Criteria: ACMG Guidelines, 2015. Collection method: provider interpretation. Allele origin: germline. Inheritance: Autosomal recessive inheritance. Affected: yes. Observed: 1 variant allele, 1 compound heterozygote.
Comment: 1. Variant 1: BDP1 (NM_018429.3): c.5743del p.(Ser1915LeufsTer13), chr5:70820119 T- (BDP1: p.S1915Lfs*13); 2. Variant 2: BDP1 (NM_018429.2): c.7254_7258delinsAATATCAT p.(Gly2419_Gln2420delinsIleSerTer). Pathogenic variants in the BDP1 gene are associated with autosomal recessive nonsyndromic hearing loss, DFNB49/112. Analysis of variant 1 (c.5743del p.Ser1915LeufsTer13): DNA level (c.): c.5743del; Protein level (p.): p.(Ser1915LeufsTer13); Genomic location: Located in exon 25 of 39, at coding position 356/385 within the exon; Protein position: Corresponds to amino acid 1915 of 2625. The premature termination codon is predicted at approximately position 1928 (1915 + 13). Therefore, this variant results in the loss of most of the protein's C-terminus (truncation >25%); NMD prediction: This variant is predicted to trigger nonsense-mediated mRNA decay; Population Frequency: The variant is absent (frequency of 0) in multiple population databases; Based on the ACMG/AMP guidelines, this variant is classified as likely pathogenic.

Literature cited by the submitters: PubMed 24312468.